The following is an entry in ClinVar:

NM_000053.4(ATP7B):c.4198del (p.Val1400fs)

Gene: ATP7B (ATPase copper transporting beta; minus strand). Cytogenetic location: 13q14.3.
Variant type: Deletion.
Coding change: c.4198del on transcript NM_000053.4 (MANE Select); coding-DNA position 4198, one base deleted (G; older notation c.4198delG).
Protein change: p.Val1400fs; shifts the reading frame from valine 1400.
Molecular consequence: frameshift variant.
Genome position (GRCh38, 1-based): chr13:51,934,956, C deleted on the plus strand (G on the coding strand, the reverse complement: ATP7B is on the minus strand); the first of 2 consecutive C bases (chr13:51,934,956-51,934,957); deleting either gives the same sequence. VCF-style (leftmost placement, unchanged base first): chr13-51934955-AC-A. GRCh37 (hg19) VCF-style: chr13-52509091-AC-A.
Other names: c.3577del, p.Val1193fs (NM_001005918.3); c.3865del, p.Val1289fs (NM_001243182.2); c.3964del, p.Val1322fs (NM_001330578.2, NM_001406527.1, NM_001406528.1); c.3946del, p.Val1316fs (NM_001330579.2, NM_001406531.1, NM_001406532.1); c.4198del, p.Val1400fs (NM_001406511.1, NM_001406512.1); c.4192del, p.Val1398fs (NM_001406513.1); c.4165del, p.Val1389fs (NM_001406514.1); c.4144del, p.Val1382fs (NM_001406515.1, NM_001406516.1); and 21 more; short protein forms V1119fs, V1173fs, V1184fs, V1193fs, V1206fs, V1236fs, V1238fs, V1251fs.
Identifiers: ClinVar variation 2679834 (VCV002679834.3), dbSNP rs2547542768, ClinGen allele CA2695199756.

ClinVar aggregate classification (germline): Pathogenic/Likely pathogenic. Review status: criteria provided, multiple submitters, no conflicts (2 of 4 stars). 2 submissions from 2 submitters: Pathogenic (1); Likely pathogenic (1). Last evaluated 2024-09-27.

Conditions:
Wilson disease (WND). Also called: Wilson's disease. Identifiers: Orphanet 905, MedGen C0019202, MONDO:0010200, OMIM 277900. Disease mechanism: loss of function.

Submissions (2):

Labcorp Genetics (formerly Invitae), Labcorp
Classification: Pathogenic for Wilson disease. Last evaluated: 2024-09-27. Review status: criteria provided, single submitter. Criteria: Invitae Variant Classification Sherloc (09022015). Collection method: clinical testing. Allele origin: germline.
Comment: This sequence change creates a premature translational stop signal (p.Val1400Serfs*5) in the ATP7B gene. While this is not anticipated to result in nonsense mediated decay, it is expected to disrupt the last 66 amino acid(s) of the ATP7B protein. This variant is not present in population databases (gnomAD no frequency). This variant has not been reported in the literature in individuals affected with ATP7B-related conditions. Algorithms developed to predict the effect of sequence changes on RNA splicing suggest that this variant may disrupt the consensus splice site. This variant disrupts a region of the ATP7B protein in which other variant(s) (p.Arg1459Glyfs*2) have been determined to be pathogenic (PMID: 26799313). This suggests that this is a clinically significant region of the protein, and that variants that disrupt it are likely to be disease-causing. For these reasons, this variant has been classified as Pathogenic.

Baylor Genetics
Classification: Likely pathogenic for Wilson disease. Last evaluated: 2022-04-18. Review status: criteria provided, single submitter. Criteria: ACMG Guidelines, 2015. Collection method: clinical testing. Allele origin: unknown.

Literature cited by the submitters: PubMed 26799313 (cited by Labcorp Genetics (formerly Invitae), Labcorp).